The following is an entry in ClinVar:

NC_000023.10:g.(31187719_31190464)_(31190531_31191655)del

Gene: DMD (dystrophin; minus strand). Cytogenetic location: Xp21.2.
Variant type: Deletion.
Identifiers: ClinVar variation 3233826 (VCV003233826.2).

ClinVar aggregate classification (germline): Uncertain significance (1 of 4 stars; one submission).

Submission:

Women's Health and Genetics/Laboratory Corporation of America, LabCorp
Classification: Uncertain significance. Last evaluated: 2024-03-21. Review status: criteria provided, single submitter. Criteria: LabCorp Variant Classification Summary - May 2015. Collection method: clinical testing. Allele origin: germline.
Comment: Variant summary: The variant involves the deletion of exon 73 in the DMD gene. A presumed nomenclature of c.(10328+1_10329-1)_(10394+1_10395-1)del has been designated for the purposes of this classification. This Copy Number Variant (CNV) is predicted to result in an in-frame deletion within this gene. The variant was absent in 16120 control chromosomes in the gnomAD database (Structural Variants v2.1 dataset). A CNV described as exon 73 deletion has been reported in the literature in individual(s) affected with Dystrophinopathies (e.g. Triana-Fonseca_2021). These data do not allow any conclusions about variant significance. To our knowledge, no experimental evidence demonstrating an impact on protein function has been reported. No pathogenic missense or smaller in-frame deletions in exon 73 have been reported (ClinVar). The following publication has been ascertained in the context of this evaluation (PMID: 34629887). No submitters have cited clinical-significance assessments for this variant to ClinVar. Based on the evidence outlined above, the variant was classified as uncertain significance.

Literature cited by the submitters: PubMed 25612904; PubMed 34629887; PubMed 23601510.